The following is an entry in ClinVar:

NM_144773.4(PROKR2):c.667T>G (p.Tyr223Asp)

Gene: PROKR2 (prokineticin receptor 2; minus strand). Cytogenetic location: 20p12.3.
Variant type: single nucleotide variant.
Coding change: c.667T>G on transcript NM_144773.4 (MANE Select); coding-DNA position 667, T replaced by G.
Protein change: p.Tyr223Asp; replaces tyrosine 223 with aspartic acid.
Molecular consequence: missense variant.
Genome position (GRCh38, 1-based): chr20:5,302,528, A>C on the plus strand (T>G on the coding strand, the complement: PROKR2 is on the minus strand). VCF-style: chr20-5302528-A-C. GRCh37 (hg19) VCF-style: chr20-5283174-A-C.
Other names: short protein forms Y223D.
Identifiers: ClinVar variation 5006393 (VCV005006393.2).

ClinVar aggregate classification (germline): Uncertain significance (1 of 4 stars; one submission).

Conditions:
Hypogonadotropic hypogonadism 3 with or without anosmia (HH3). Also called: HYPOGONADOTROPIC HYPOGONADISM 3 WITH ANOSMIA; PROKR2-Related GnRH Deficiency (Kallmann Syndrome 3). Identifiers: Orphanet 478, MedGen C3550478, MONDO:0009482, OMIM 244200.

Submission:

Juno Genomics, Hangzhou Juno Genomics, Inc
Classification: Uncertain significance for Hypogonadotropic hypogonadism 3 with or without anosmia. Review status: criteria provided, single submitter. Criteria: ACMG Guidelines, 2015. Collection method: clinical testing. Allele origin: germline.
Comment: Absent from controls (or at extremely low frequency if recessive) in Genome Aggregation Database.;Multiple lines of computational evidence support a deleterious effect on the gene or gene product.